The following is an entry in ClinVar:

NM_012208.4(HARS2):c.95G>T (p.Arg32Leu)

Genes: HARS2 (histidyl-tRNA synthetase 2, mitochondrial; plus strand), LOC119407423 (HARS1 and HARS2 bidirectional promoter region; plus strand). Cytogenetic location: 5q31.3.
Variant type: single nucleotide variant.
Coding change: c.95G>T on transcript NM_012208.4 (MANE Select); coding-DNA position 95, G replaced by T.
Protein change: p.Arg32Leu; replaces arginine 32 with leucine.
Molecular consequence: missense variant. On other transcripts: 5 prime UTR variant (1), intron variant (1).
Genome position (GRCh38, 1-based): chr5:140,691,743, G>T. VCF-style: chr5-140691743-G-T. GRCh37 (hg19) VCF-style: chr5-140071328-G-T.
Other names: c.95G>T, p.Arg32Leu (NM_001278731.2, NM_001363535.2); c.-216G>T (NM_001278732.2); c.-325-52G>T (NM_001363536.2); short protein forms R32L.
Identifiers: ClinVar variation 2782844 (VCV002782844.3), dbSNP rs1185984932, ClinGen allele CA361192456.

ClinVar aggregate classification (germline): Uncertain significance (1 of 4 stars; one submission).

Allele frequency attached by ClinVar (database versions not stated): gnomAD 0.00001; TOPMed 0.00001.
gnomAD v4.1: 8 of 1,550,620 alleles (0.00052%); highest among the groups gnomAD compares: Non-Finnish European, 0.0007%; no homozygotes.

Submission:

Labcorp Genetics (formerly Invitae), Labcorp
Classification: Uncertain significance. Last evaluated: 2024-01-08. Review status: criteria provided, single submitter. Criteria: Invitae Variant Classification Sherloc (09022015). Collection method: clinical testing. Allele origin: germline.
Comment: This sequence change replaces arginine, which is basic and polar, with leucine, which is neutral and non-polar, at codon 32 of the HARS2 protein (p.Arg32Leu). This variant is not present in population databases (gnomAD no frequency). This variant has not been reported in the literature in individuals affected with HARS2-related conditions. An algorithm developed to predict the effect of missense changes on protein structure and function (PolyPhen-2) suggests that this variant is likely to be tolerated. In summary, the available evidence is currently insufficient to determine the role of this variant in disease. Therefore, it has been classified as a Variant of Uncertain Significance.